The following is an entry in ClinVar:

NM_005996.4(TBX3):c.1236G>A (p.Ser412=)

Gene: TBX3 (T-box transcription factor 3; minus strand). Cytogenetic location: 12q24.21.
Variant type: single nucleotide variant.
Coding change: c.1236G>A on transcript NM_005996.4 (MANE Select); coding-DNA position 1236, G replaced by A.
Protein change: p.Ser412=; no amino-acid change (serine 412 retained).
Molecular consequence: synonymous variant.
Genome position (GRCh38, 1-based): chr12:114,674,639, C>T on the plus strand (G>A on the coding strand, the complement: TBX3 is on the minus strand). VCF-style: chr12-114674639-C-T. GRCh37 (hg19) VCF-style: chr12-115112444-C-T.
Other names: c.1296G>A, p.Ser432= (NM_016569.4); c.1296G>A (NM_016569.3).
Identifiers: ClinVar variation 2195329 (VCV002195329.5), dbSNP rs62640916, ClinGen allele CA6809960.

ClinVar aggregate classification (germline): Likely benign. Review status: criteria provided, multiple submitters, no conflicts (2 of 4 stars). 2 submissions from 2 submitters: Likely benign (2). Last evaluated 2026-05-15.

Conditions:
TBX3-related disorder. Also called: TBX3-related condition.
Ulnar-mammary syndrome (UMS). Also called: SCHINZEL SYNDROME; PALLISTER ULNAR-MAMMARY SYNDROME; Ulnar-mammary syndrome of Pallister. Identifiers: Orphanet 3138, MedGen C1866994, MONDO:0008411, OMIM 181450.

gnomAD v4.1: 5 of 1,606,464 alleles (0.00031%); highest among the groups gnomAD compares: Admixed American, 0.0067%; no homozygotes.

Submissions (2):

PreventionGenetics, part of Exact Sciences
Classification: Likely benign for TBX3-related condition. Last evaluated: 2026-05-15. Review status: criteria provided, single submitter. Criteria: ACMG Guidelines, 2015. Collection method: clinical testing. Allele origin: germline.
Comment: This variant is classified as likely benign based on ACMG/AMP sequence variant interpretation guidelines (Richards et al. 2015 PMID: 25741868, with internal and published modifications).

Labcorp Genetics (formerly Invitae), Labcorp
Classification: Likely benign for Ulnar-mammary syndrome. Last evaluated: 2025-07-21. Review status: criteria provided, single submitter. Criteria: Invitae Variant Classification Sherloc (09022015). Collection method: clinical testing. Allele origin: germline.